The following is an entry in ClinVar:

NM_001371727.1(GABRB2):c.169+291A>G

Gene: GABRB2 (gamma-aminobutyric acid type A receptor subunit beta2; minus strand). Cytogenetic location: 5q34.
Variant type: single nucleotide variant.
Coding change: c.169+291A>G on transcript NM_001371727.1 (MANE Select); 291 bases into the intron after coding-DNA position 169, A replaced by G.
Molecular consequence: intron variant.
Genome position (GRCh38, 1-based): chr5:161,546,031, T>C on the plus strand (A>G on the coding strand, the complement: GABRB2 is on the minus strand). VCF-style: chr5-161546031-T-C. GRCh37 (hg19) VCF-style: chr5-160973037-T-C.
Other names: c.169+291A>G (NM_000813.3, NM_021911.3).
Identifiers: ClinVar variation 669791 (VCV000669791.1), dbSNP rs13178950, ClinGen allele CA131044082.

ClinVar aggregate classification (germline): Likely benign (1 of 4 stars; one submission).

Allele frequency attached by ClinVar (database versions not stated): 1000 Genomes Project 30x 0.01343; 1000 Genomes Project 0.01358; TOPMed 0.01500; gnomAD 0.01564 and 0.01580.
gnomAD v4.1: 2,411 of 152,342 alleles (1.6%); highest among the groups gnomAD compares: Non-Finnish European, 2.4%; 30 homozygotes.

Submission:

GeneDx
Classification: Likely benign. Last evaluated: 2018-06-14. Review status: criteria provided, single submitter. Criteria: GeneDx Variant Classification (06012015). Collection method: clinical testing. Allele origin: germline. Affected: yes.
Comment: This variant is considered likely benign or benign based on one or more of the following criteria: it is a conservative change, it occurs at a poorly conserved position in the protein, it is predicted to be benign by multiple in silico algorithms, and/or has population frequency not consistent with disease.